The following is an entry in ClinVar:

NM_018834.6(MATR3):c.857C>T (p.Pro286Leu)

Gene: MATR3 (matrin 3; plus strand). Cytogenetic location: 5q31.2.
Variant type: single nucleotide variant.
Coding change: c.857C>T on transcript NM_018834.6 (MANE Select); coding-DNA position 857, C replaced by T.
Protein change: p.Pro286Leu; replaces proline 286 with leucine.
Molecular consequence: missense variant. On other transcripts: intron variant (2).
Genome position (GRCh38, 1-based): chr5:139,308,272, C>T. VCF-style: chr5-139308272-C-T. GRCh37 (hg19) VCF-style: chr5-138643961-C-T.
Other names: c.857C>T, p.Pro286Leu (NM_001194954.2, NM_001194955.2, NM_199189.3); c.-102-6403C>T (NM_001282278.2); c.49-6403C>T (NM_001194956.2); short protein forms P286L.
Identifiers: ClinVar variation 935932 (VCV000935932.10), dbSNP rs1318047828, ClinGen allele CA361488233.

ClinVar aggregate classification (germline): Uncertain significance (1 of 4 stars; one submission).

Conditions:
Amyotrophic lateral sclerosis type 21. Also called: VOCAL CORD AND PHARYNGEAL DYSFUNCTION WITH DISTAL MYOPATHY; MYOPATHY, DISTAL, 2. Identifiers: Orphanet 600, Orphanet 803, MedGen C3807521, MONDO:0011632, OMIM 606070.

Allele frequency attached by ClinVar (database versions not stated): gnomAD exomes below 0.00001; TOPMed below 0.00001.
gnomAD v4.1: 5 of 1,613,920 alleles (0.00031%); highest among the groups gnomAD compares: Non-Finnish European, 0.00042%; no homozygotes.

Submission:

Labcorp Genetics (formerly Invitae), Labcorp
Classification: Uncertain significance for Amyotrophic lateral sclerosis type 21. Last evaluated: 2023-01-17. Review status: criteria provided, single submitter. Criteria: Invitae Variant Classification Sherloc (09022015). Collection method: clinical testing. Allele origin: germline.
Comment: This variant has not been reported in the literature in individuals affected with MATR3-related conditions. ClinVar contains an entry for this variant (Variation ID: 935932). Advanced modeling of protein sequence and biophysical properties (such as structural, functional, and spatial information, amino acid conservation, physicochemical variation, residue mobility, and thermodynamic stability) performed at Invitae indicates that this missense variant is expected to disrupt MATR3 protein function. In summary, the available evidence is currently insufficient to determine the role of this variant in disease. Therefore, it has been classified as a Variant of Uncertain Significance. This sequence change replaces proline, which is neutral and non-polar, with leucine, which is neutral and non-polar, at codon 286 of the MATR3 protein (p.Pro286Leu). This variant is not present in population databases (gnomAD no frequency).